The following is an entry in ClinVar:

ClinVar aggregate classification (germline): other (0 of 4 stars; one submission).

Conditions:
Familial colorectal cancer. Identifiers: MedGen CN280943, MONDO:0023113. Disease mechanism: loss of function.

Submission:

Systems Biology Platform Zhejiang California International NanoSystems Institute
Classification: other for Familial colorectal cancer. Review status: no assertion criteria provided. Collection method: not provided. Allele origin: unknown.
ClinVar note: Converted during submission from cancer to other.

NC_000005.10:g.112849302A>G

Variant type: single nucleotide variant.
Genome position: GRCh38 VCF-style: chr5-112849302-A-G. GRCh37 (hg19) VCF-style: chr5-112184999-A-G.
Identifiers: ClinVar variation 82650 (VCV000082650.3), dbSNP rs75665127, ClinGen allele CA250790.
Genomic context (GRCh38, chr5:112,849,302, plus strand): 5'-TAGTCAGAAGGCTGAGGCAGGAGAATCACTTGAACCCGGGAGGCGGCGGAGGTTGCAGTG[A>G]GCCAAGATCTCACCACTGCACTGCAGCCTGGGTGACAGAGCGAGGGAAAAAATAAATAAA-3'